The following is an entry in ClinVar:

ClinVar aggregate classification (germline): Likely pathogenic (1 of 4 stars; one submission).

Submission:

CeGaT Center for Human Genetics Tuebingen
Classification: Likely pathogenic. Last evaluated: 2024-10-01. Review status: criteria provided, single submitter. Criteria: CeGaT Center For Human Genetics Tuebingen Variant Classification Criteria Version 2. Collection method: clinical testing. Allele origin: germline. Affected: yes. Observed: 1 variant allele.
Comment: CHD3: PM2, PM5, PP2, PP3

NM_001005273.3(CHD3):c.5641C>T (p.Arg1881Cys)

Gene: CHD3 (chromodomain helicase DNA binding protein 3; plus strand). Cytogenetic location: 17p13.1.
Variant type: single nucleotide variant.
Coding change: c.5641C>T on transcript NM_001005273.3 (MANE Select); coding-DNA position 5641, C replaced by T.
Protein change: p.Arg1881Cys; replaces arginine 1881 with cysteine.
Molecular consequence: missense variant.
Genome position (GRCh38, 1-based): chr17:7,910,478, C>T. VCF-style: chr17-7910478-C-T. GRCh37 (hg19) VCF-style: chr17-7813796-C-T.
Other names: c.5818C>T, p.Arg1940Cys (NM_001005271.3); c.5539C>T, p.Arg1847Cys (NM_005852.4); short protein forms R1847C, R1881C, R1940C.
Identifiers: ClinVar variation 3389177 (VCV003389177.14).
Genomic context (GRCh38, chr17:7,910,478, plus strand): 5'-CGGGCCCCAGTTCTGAACCAGCTGGAGGAGTTGCTGAGCGACATGAAGGCGGACGTGACC[C>T]GCCTGCCAGCCACGCTGTCCCGAATACCCCCCATCGCAGCCCGCCTTCAGATGTCCGAGC-3'
Protein context (NP_001005273.1, residues 1871-1891): LLSDMKADVT[Arg1881Cys]LPATLSRIPP